The following is an entry in ClinVar:

NM_001042492.3(NF1):c.3462T>A (p.Asn1154Lys)

Gene: NF1 (neurofibromin 1; plus strand). Cytogenetic location: 17q11.2.
Variant type: single nucleotide variant.
Coding change: c.3462T>A on transcript NM_001042492.3 (MANE Select); coding-DNA position 3462, T replaced by A.
Protein change: p.Asn1154Lys; replaces asparagine 1154 with lysine.
Molecular consequence: missense variant.
Genome position (GRCh38, 1-based): chr17:31,232,847, T>A. VCF-style: chr17-31232847-T-A. GRCh37 (hg19) VCF-style: chr17-29559865-T-A.
Other names: c.3462T>A, p.Asn1154Lys (NM_000267.4); short protein forms N1154K.
Identifiers: ClinVar variation 1021607 (VCV001021607.5), dbSNP rs2067137994, ClinGen allele CA398989364.

ClinVar aggregate classification (germline): Uncertain significance (1 of 4 stars; one submission).

Conditions:
Neurofibromatosis, type 1 (NF1). Also called: Peripheral type neurofibromatosis; Neurofibromatosis, type I; VON RECKLINGHAUSEN DISEASE; NEUROFIBROMATOSIS, TYPE I, SOMATIC. Identifiers: Orphanet 636, MedGen C0027831, MONDO:0018975, OMIM 162200. Disease mechanism: loss of function.

Submission:

Labcorp Genetics (formerly Invitae), Labcorp
Classification: Uncertain significance for Neurofibromatosis, type 1. Last evaluated: 2020-08-06. Review status: criteria provided, single submitter. Criteria: Invitae Variant Classification Sherloc (09022015). Collection method: clinical testing. Allele origin: germline.
Comment: This sequence change replaces asparagine with lysine at codon 1154 of the NF1 protein (p.Asn1154Lys). The asparagine residue is moderately conserved and there is a moderate physicochemical difference between asparagine and lysine. This variant is not present in population databases (ExAC no frequency). In summary, the available evidence is currently insufficient to determine the role of this variant in disease. Therefore, it has been classified as a Variant of Uncertain Significance. This variant disrupts the p.Asn1154 amino acid residue in NF1. Other variant(s) that disrupt this residue have been determined to be pathogenic (PMID: 23656349, Invitae). This suggests that this residue is clinically significant, and that variants that disrupt this residue are likely to be disease-causing. Algorithms developed to predict the effect of sequence changes on RNA splicing suggest that this variant may create or strengthen a splice site, but this prediction has not been confirmed by published transcriptional studies. Algorithms developed to predict the effect of missense changes on protein structure and function are either unavailable or do not agree on the potential impact of this missense change (SIFT: "Deleterious"; PolyPhen-2: "Benign"; Align-GVGD: "Class C0"). This variant has not been reported in the literature in individuals with NF1-related conditions.

Literature cited by the submitters: PubMed 23656349.